The following is an entry in ClinVar:

NM_015443.4(KANSL1):c.3287C>T (p.Ala1096Val)

Gene: KANSL1 (KAT8 regulatory NSL complex subunit 1). Cytogenetic location: 17q21.31.
Variant type: single nucleotide variant.
Coding change: c.3287C>T on transcript NM_015443.4 (MANE Select); coding-DNA position 3287, C replaced by T.
Protein change: p.Ala1096Val; replaces alanine 1096 with valine.
Molecular consequence: missense variant.
Genome position (GRCh38, 1-based): chr17:46,031,507, G>A on the plus strand (C>T on the coding strand, the complement: KANSL1 is on the minus strand). VCF-style: chr17-46031507-G-A. GRCh37 (hg19) VCF-style: chr17-44108873-G-A.
Other names: c.3284C>T, p.Ala1095Val (NM_001193465.2, NM_001405856.1, NM_001405857.1 and 1 more transcripts); c.3287C>T, p.Ala1096Val (NM_001193466.2, NM_001379198.1, NM_001405854.1 and 1 more transcripts); c.3185C>T, p.Ala1062Val (NM_001405859.1, NM_001405860.1); c.3095C>T, p.Ala1032Val (NM_001405880.1, NM_001405879.1); c.3050C>T, p.Ala1017Val (NM_001405881.1); c.2021C>T, p.Ala674Val (NM_001405882.1); c.2018C>T, p.Ala673Val (NM_001405883.1); c.1832C>T, p.Ala611Val (NM_001405884.1); and 4 more; short protein forms A1017V, A1032V, A1033V, A1052V, A1061V, A1062V, A1095V, A1096V.
Identifiers: ClinVar variation 1714398 (VCV001714398.5), dbSNP rs529738082, ClinGen allele CA399985522.
Genomic context (GRCh38, chr17:46,031,507, plus strand): 5'-GTGAGTCTGTTTAGATGGCTGTCTCCCGCTCATCTGTGAGTCGGGCGCTGAGCTGTGGCT[G>A]CTGCCACCAGATGCCGACTCTTGAGGGGGACAATGGGAGGCGAGGTGGGCGCTGCCTCTG-3'
Protein context (NP_056258.1, residues 1086-1105): VPLKSRHLVA[Ala1096Val]ATAQRPTHR

ClinVar aggregate classification (germline): Uncertain significance (1 of 4 stars; one submission).

Conditions:
Koolen-de Vries syndrome (KDVS). Identifiers: Orphanet 96169, MedGen C1864871, MONDO:0012496, OMIM 610443.

Allele frequency attached by ClinVar (database versions not stated): TOPMed below 0.00001.
gnomAD v4.1: 4 of 1,613,244 alleles (0.00025%); highest among the groups gnomAD compares: Non-Finnish European, 0.00025%; no homozygotes.

Submission:

Labcorp Genetics (formerly Invitae), Labcorp
Classification: Uncertain significance for Koolen-de Vries syndrome. Last evaluated: 2024-02-26. Review status: criteria provided, single submitter. Criteria: Invitae Variant Classification Sherloc (09022015). Collection method: clinical testing. Allele origin: germline.
Comment: This sequence change replaces alanine, which is neutral and non-polar, with valine, which is neutral and non-polar, at codon 1096 of the KANSL1 protein (p.Ala1096Val). This variant is not present in population databases (gnomAD no frequency). This variant has not been reported in the literature in individuals affected with KANSL1-related conditions. ClinVar contains an entry for this variant (Variation ID: 1714398). An algorithm developed to predict the effect of missense changes on protein structure and function (PolyPhen-2) suggests that this variant is likely to be tolerated. In summary, the available evidence is currently insufficient to determine the role of this variant in disease. Therefore, it has been classified as a Variant of Uncertain Significance.